The following is an entry in ClinVar:

NM_024675.4(PALB2):c.2558del (p.Gly853fs)

Gene: PALB2 (partner and localizer of BRCA2; minus strand). Cytogenetic location: 16p12.2.
Variant type: Deletion.
Coding change: c.2558del on transcript NM_024675.4 (MANE Select); coding-DNA position 2558, one base deleted (G; older notation c.2558delG).
Protein change: p.Gly853fs; shifts the reading frame from glycine 853.
Molecular consequence: frameshift variant. On other transcripts: intron variant (1).
Genome position (GRCh38, 1-based): chr16:23,629,232, C deleted on the plus strand (G on the coding strand, the reverse complement: PALB2 is on the minus strand); the first of 2 consecutive C bases (chr16:23,629,232-23,629,233); deleting either gives the same sequence. VCF-style (leftmost placement, unchanged base first): chr16-23629231-GC-G. GRCh37 (hg19) VCF-style: chr16-23640552-GC-G.
Other names: c.2558delG (NM_024675.3); c.92del, p.Gly31fs (NM_001407314.1); c.2514+408del (NM_001407297.1); c.2498del, p.Gly833fs (NM_001407296.1); c.2558del, p.Gly853fs (NM_001407298.1, NM_001407299.1, NM_001407300.1 and 2 more transcripts); c.1673del, p.Gly558fs (NM_001407304.1, NM_001407305.1, NM_001407306.1 and 5 more transcripts); c.770del, p.Gly257fs (NM_001407312.1, NM_001407313.1); short protein forms G257fs, G31fs, G558fs, G833fs, G853fs.
Identifiers: ClinVar variation 4861489 (VCV004861489.1).

ClinVar aggregate classification (germline): Pathogenic (1 of 4 stars; one submission).

Conditions:
Hereditary cancer-predisposing syndrome. Also called: Neoplastic Syndromes, Hereditary; Tumor predisposition; Hereditary Cancer Syndrome; Hereditary neoplastic syndrome. Identifiers: Orphanet 140162, MedGen C0027672, MeSH D009386, MONDO:0015356.

Submission:

Ambry Genetics
Classification: Pathogenic for Hereditary cancer-predisposing syndrome. Last evaluated: 2026-04-22. Review status: criteria provided, single submitter. Criteria: Ambry Variant Classification Scheme 2023. Collection method: clinical testing. Allele origin: germline.
Comment: The c.2558delG pathogenic mutation, located in coding exon 6 of the PALB2 gene, results from a deletion of one nucleotide at nucleotide position 2558, causing a translational frameshift with a predicted alternate stop codon (p.G853Afs*9). This variant is considered to be rare based on population cohorts in the Genome Aggregation Database (gnomAD). This alteration is expected to result in loss of function by premature protein truncation or nonsense-mediated mRNA decay. As such, this alteration is interpreted as a disease-causing mutation.